The following is an entry in ClinVar:

ClinVar aggregate classification (germline): Uncertain significance (1 of 4 stars; one submission).

Allele frequency attached by ClinVar (database versions not stated): gnomAD exomes below 0.00001; TOPMed below 0.00001; ExAC 0.00001.
gnomAD v4.1: 4 of 1,604,890 alleles (0.00025%); highest among the groups gnomAD compares: Non-Finnish European, 0.00017%; no homozygotes.

Submission:

Labcorp Genetics (formerly Invitae), Labcorp
Classification: Uncertain significance. Last evaluated: 2023-08-09. Review status: criteria provided, single submitter. Criteria: Invitae Variant Classification Sherloc (09022015). Collection method: clinical testing. Allele origin: germline.
Comment: In summary, the available evidence is currently insufficient to determine the role of this variant in disease. Therefore, it has been classified as a Variant of Uncertain Significance. Algorithms developed to predict the effect of sequence changes on RNA splicing suggest that this variant may disrupt the consensus splice site. This variant has not been reported in the literature in individuals affected with RIMS1-related conditions. This variant is present in population databases (rs747771342, gnomAD 0.002%). This sequence change falls in intron 23 of the RIMS1 gene. It does not directly change the encoded amino acid sequence of the RIMS1 protein.

NM_014989.7(RIMS1):c.3483-16A>G

Gene: RIMS1 (regulating synaptic membrane exocytosis 1; plus strand). Cytogenetic location: 6q13.
Variant type: single nucleotide variant.
Coding change: c.3483-16A>G on transcript NM_014989.7 (MANE Select); 16 bases into the intron before coding-DNA position 3483, A replaced by G.
Molecular consequence: intron variant.
Genome position (GRCh38, 1-based): chr6:72,284,031, A>G. VCF-style: chr6-72284031-A-G. GRCh37 (hg19) VCF-style: chr6-72993734-A-G.
Other names: c.1560-16A>G (NM_001350428.2); c.1560-7903A>G (NM_001350459.2, NM_001350424.2); c.1641-7903A>G (NM_001350437.2); c.1557-16A>G (NM_001350430.2); c.1557-7903A>G (NM_001350421.2, NM_001350450.2); c.1707-7903A>G (NM_001350458.2); c.1713-16A>G (NM_001350433.2); c.1629-16A>G (NM_001350446.2, NM_001350442.2, NM_001350416.2 and 2 more transcripts); and 30 more.
Identifiers: ClinVar variation 2778747 (VCV002778747.3), dbSNP rs747771342, ClinGen allele CA3886269.